The following is an entry in ClinVar:

ClinVar aggregate classification (germline): Uncertain significance (1 of 4 stars; one submission).

Conditions:
Developmental and epileptic encephalopathy, 53. Also called: Epileptic encephalopathy, early infantile, 53. Identifiers: MedGen C4479313, MONDO:0033362, OMIM 617389.
Early-onset Parkinson disease 20. Also called: PARKINSON DISEASE 20, AUTOSOMAL RECESSIVE EARLY-ONSET. Identifiers: Orphanet 391411, MedGen C3809824, MONDO:0014233, OMIM 615530.

Allele frequency attached by ClinVar (database versions not stated): gnomAD 0.00001; TOPMed 0.00001; gnomAD exomes 0.00002; ExAC 0.00004.
gnomAD v4.1: 28 of 1,596,510 alleles (0.0018%); highest among the groups gnomAD compares: East Asian, 0.0045%; no homozygotes.

Submission:

Labcorp Genetics (formerly Invitae), Labcorp
Classification: Uncertain significance for Developmental and epileptic encephalopathy, 53; Early-onset Parkinson disease 20. Last evaluated: 2024-08-29. Review status: criteria provided, single submitter. Criteria: Invitae Variant Classification Sherloc (09022015). Collection method: clinical testing. Allele origin: germline.
Comment: This sequence change replaces methionine, which is neutral and non-polar, with valine, which is neutral and non-polar, at codon 113 of the SYNJ1 protein (p.Met113Val). This variant is present in population databases (rs762562029, gnomAD 0.01%). This variant has not been reported in the literature in individuals affected with SYNJ1-related conditions. ClinVar contains an entry for this variant (Variation ID: 852144). Invitae Evidence Modeling of protein sequence and biophysical properties (such as structural, functional, and spatial information, amino acid conservation, physicochemical variation, residue mobility, and thermodynamic stability) indicates that this missense variant is not expected to disrupt SYNJ1 protein function with a negative predictive value of 80%. In summary, the available evidence is currently insufficient to determine the role of this variant in disease. Therefore, it has been classified as a Variant of Uncertain Significance.

NM_203446.3(SYNJ1):c.220A>G (p.Met74Val)

Gene: SYNJ1 (synaptojanin 1; minus strand). Cytogenetic location: 21q22.11.
Variant type: single nucleotide variant.
Coding change: c.220A>G on transcript NM_203446.3 (MANE Select); coding-DNA position 220, A replaced by G.
Protein change: p.Met74Val; replaces methionine 74 with valine.
Molecular consequence: missense variant.
Genome position (GRCh38, 1-based): chr21:32,700,097, T>C on the plus strand (A>G on the coding strand, the complement: SYNJ1 is on the minus strand). VCF-style: chr21-32700097-T-C. GRCh37 (hg19) VCF-style: chr21-34072407-T-C.
Other names: c.220A>G, p.Met74Val (NM_001160302.2, NM_001160306.2); c.337A>G, p.Met113Val (NM_003895.4); short protein forms M74V, M113V.
Identifiers: ClinVar variation 852144 (VCV000852144.10), dbSNP rs762562029, ClinGen allele CA10004169.